The following is an entry in ClinVar:

ClinVar aggregate classification (germline): Conflicting classifications of pathogenicity. Review status: criteria provided, conflicting classifications (1 of 4 stars). 12 submissions from 12 submitters: Uncertain significance (9); Likely benign (3). Last evaluated 2026-07-08.

Conditions:
SMARCA4-related disorder. Also called: SMARCA4-related condition.
Hereditary cancer-predisposing syndrome. Also called: Hereditary Cancer Syndrome; Tumor predisposition; Hereditary neoplastic syndrome; Neoplastic Syndromes, Hereditary. Identifiers: Orphanet 140162, MedGen C0027672, MeSH D009386, MONDO:0015356.
Intellectual disability, autosomal dominant 16 (CSS4). Also called: COFFIN-SIRIS SYNDROME 4. Identifiers: Orphanet 1465, MedGen C3553249, MONDO:0013821, OMIM 614609.
Rhabdoid tumor predisposition syndrome 2 (RTPS2). Identifiers: Orphanet 231108, Orphanet 69077, MedGen C2750074, MONDO:0013224, OMIM 613325.

Allele frequency attached by ClinVar (database versions not stated): 1000 Genomes Project 0.00020; TOPMed 0.00003; 1000 Genomes Project 30x 0.00016; gnomAD 0.00001 and 0.00003; ExAC below 0.00001.
gnomAD v4.1: 66 of 1,551,074 alleles (0.0043%); highest among the groups gnomAD compares: Middle Eastern, 0.05%; no homozygotes.

Submissions (12):

Myriad Genetics, Inc.
Classification: Likely benign for Rhabdoid tumor predisposition syndrome 2. Last evaluated: 2026-07-08. Review status: criteria provided, single submitter. Criteria: Myriad Autosomal Dominant, Autosomal Recessive and X-Linked Classification Criteria (2023). Collection method: clinical testing. Allele origin: unknown.
Comment: This variant is considered likely benign. This variant has been observed at a population frequency that is significantly greater than expected given the associated disease prevalence and penetrance.

PreventionGenetics, part of Exact Sciences
Classification: Uncertain significance for SMARCA4-related condition. Last evaluated: 2026-03-11. Review status: criteria provided, single submitter. Criteria: ACMG Guidelines, 2015. Collection method: clinical testing. Allele origin: germline.
Comment: The SMARCA4 c.4930G>A variant is predicted to result in the amino acid substitution p.Gly1644Ser. To our knowledge, this variant has not been reported as a germline variant in the literature. This variant is reported in 0.0080% of alleles in individuals of East Asian descent in gnomAD and has conflicting interpretations in ClinVar, ranging from uncertain to likely benign (Variation ID:238493). At this time, the clinical significance of this variant is uncertain due to the absence of conclusive functional and genetic evidence.

Labcorp Genetics (formerly Invitae), Labcorp
Classification: Uncertain significance for Rhabdoid tumor predisposition syndrome 2. Last evaluated: 2026-01-26. Review status: criteria provided, single submitter. Criteria: Invitae Variant Classification Sherloc (09022015). Collection method: clinical testing. Allele origin: germline.
Comment: This sequence change replaces glycine, which is neutral and non-polar, with serine, which is neutral and polar, at codon 1644 of the SMARCA4 protein (p.Gly1644Ser). This variant is present in population databases (rs372319442, gnomAD 0.004%). This variant has not been reported in the literature in individuals affected with SMARCA4-related conditions. ClinVar contains an entry for this variant (Variation ID: 238493). An algorithm developed to predict the effect of missense changes on protein structure and function outputs the following: PolyPhen-2: "Benign". The serine amino acid residue is found in multiple mammalian species, which suggests that this missense change does not adversely affect protein function. In summary, the available evidence is currently insufficient to determine the role of this variant in disease. Therefore, it has been classified as a Variant of Uncertain Significance.

Quest Diagnostics Nichols Institute San Juan Capistrano
Classification: Uncertain significance. Last evaluated: 2024-09-11. Review status: criteria provided, single submitter. Criteria: Quest Diagnostics criteria. Collection method: clinical testing. Allele origin: unknown.
Comment: The SMARCA4 c.4930G>A (p.Gly1644Ser) variant has not been reported as a germline variant in individuals with SMARCA4-related conditions in the published literature. The variant has been reported as a somatic variant in intraventricular meningiomas (PMID: 31470906 (2019)). The frequency of this variant in the general population, 0.000054 (4/73606 chromosomes (Genome Aggregation Database)), is uninformative in the assessment of its pathogenicity. Analysis of this variant using bioinformatics tools for the prediction of the effect of amino acid changes on protein structure and function yielded predictions that this variant is benign. Based on the available information, we are unable to determine the clinical significance of this variant.

GeneDx
Classification: Uncertain significance. Last evaluated: 2024-08-12. Review status: criteria provided, single submitter. Criteria: GeneDx Variant Classification Process June 2021. Collection method: clinical testing. Allele origin: germline.
Comment: In silico analysis indicates that this missense variant does not alter protein structure/function; Also known as c.4834G>A; p.(G1612S); This variant is associated with the following publications: (PMID: 31470906, DZKALE2021[casereport])

Blueprint Genetics
Classification: Likely benign. Last evaluated: 2024-05-28. Review status: criteria provided, single submitter. Criteria: ACMG Guidelines, 2015. Collection method: clinical testing. Allele origin: germline.

Baylor Genetics
Classification: Uncertain significance for Rhabdoid tumor predisposition syndrome 2. Last evaluated: 2024-03-18. Review status: criteria provided, single submitter. Criteria: ACMG Guidelines, 2015. Collection method: clinical testing. Allele origin: unknown.

Revvity Omics, Revvity
Classification: Uncertain significance for Intellectual disability, autosomal dominant 16. Last evaluated: 2023-05-09. Review status: criteria provided, single submitter. Criteria: ACMG Guidelines, 2015. Collection method: clinical testing. Allele origin: germline.

Ambry Genetics
Classification: Likely benign for Hereditary cancer-predisposing syndrome. Last evaluated: 2022-03-10. Review status: criteria provided, single submitter. Criteria: Ambry Variant Classification Scheme 2023. Collection method: clinical testing. Allele origin: germline.

Sema4
Classification: Uncertain significance for Hereditary cancer-predisposing syndrome. Last evaluated: 2021-08-11. Review status: criteria provided, single submitter. Criteria: Sema4 Curation Guidelines. Collection method: curation. Allele origin: germline.
Comment: To the best of our knowledge, the SMARCA4 c.4930G>A (p.G1644S) variant has not been reported in individuals with SMARCA4-related disease. It was observed in 6/183542 chromosomes in the large and broad cohorts of the Genome Aggregation Database (PMID: 32461654). The variant has been reported in ClinVar (Variation ID: 238493). Functional studies have not been performed, and in silico predictions of the variant's effect on protein function are inconclusive. The evidence is insufficient to meet ACMG/AMP criteria for classifying the variant as benign or pathogenic. Thus, the clinical significance of this variant is currently uncertain.

Genome-Nilou Lab
Classification: Uncertain significance for Intellectual disability, autosomal dominant 16. Last evaluated: 2021-07-15. Review status: criteria provided, single submitter. Criteria: ACMG Guidelines, 2015. Collection method: clinical testing. Allele origin: germline. Affected: no.

Genetic Services Laboratory, University of Chicago
Classification: Uncertain significance. Last evaluated: 2015-09-24. Review status: criteria provided, single submitter. Criteria: ACMG Guidelines, 2015. Collection method: clinical testing. Allele origin: germline. Affected: no.

Literature cited by the submitters: PubMed 31470906 (cited by Quest Diagnostics Nichols Institute San Juan Capistrano and Ambry Genetics).

NM_003072.5(SMARCA4):c.4834G>A (p.Gly1612Ser)

Gene: SMARCA4 (SWI/SNF related BAF chromatin remodeling complex subunit ATPase 4; plus strand). Cytogenetic location: 19p13.2.
Variant type: single nucleotide variant.
Coding change: c.4834G>A on transcript NM_003072.5 (MANE Select); coding-DNA position 4834, G replaced by A.
Protein change: p.Gly1612Ser; replaces glycine 1612 with serine.
Molecular consequence: missense variant. On other transcripts: non-coding transcript variant (1).
Genome position (GRCh38, 1-based): chr19:11,060,110, G>A. VCF-style: chr19-11060110-G-A. GRCh37 (hg19) VCF-style: chr19-11170786-G-A.
Other names: c.4930G>A (NM_001128849.2); c.4735G>A, p.Gly1579Ser (NM_001128847.4, NM_001374457.1); c.4732G>A, p.Gly1578Ser (NM_001128848.2); c.4930G>A, p.Gly1644Ser (NM_001128849.3, NM_001387283.1); c.4834G>A, p.Gly1612Ser (NM_001128844.3); c.4744G>A, p.Gly1582Ser (NM_001128845.2); c.4741G>A, p.Gly1581Ser (NM_001128846.2); short protein forms G1644S, G1581S, G1582S, G1578S, G1579S, G1612S.
Identifiers: ClinVar variation 238493 (VCV000238493.31), dbSNP rs372319442, ClinGen allele CA9204887.